The following is an entry in ClinVar:

NM_001605.3(AARS1):c.1823C>T (p.Thr608Met)

Gene: AARS1 (alanyl-tRNA synthetase 1; minus strand). Cytogenetic location: 16q22.1.
Variant type: single nucleotide variant.
Coding change: c.1823C>T on transcript NM_001605.3 (MANE Select); coding-DNA position 1823, C replaced by T.
Protein change: p.Thr608Met; replaces threonine 608 with methionine.
Molecular consequence: missense variant.
Genome position (GRCh38, 1-based): chr16:70,259,149, G>A on the plus strand (C>T on the coding strand, the complement: AARS1 is on the minus strand). VCF-style: chr16-70259149-G-A. GRCh37 (hg19) VCF-style: chr16-70293052-G-A.
Other names: short protein forms T608M.
Identifiers: ClinVar variation 637511 (VCV000637511.20), dbSNP rs1597435885, ClinGen allele CA396558313.
Genomic context (GRCh38, chr16:70,259,149, plus strand): 5'-AATGAGCCTTTCTGGTCAGCTTCCCCAAGCACTGAGCGCAGGGCGAAGTTCAGAATGTGC[G>A]TAGCTGTGTGGTTGCTCATGATGGGTCTTCGTCGGGGCTGGAAAGGGCAGAGGGGCTCAT-3'
Protein context (NP_001596.2, residues 598-618): RRPIMSNHTA[Thr608Met]HILNFALRSV

ClinVar aggregate classification (germline): Conflicting classifications of pathogenicity. Review status: criteria provided, conflicting classifications (1 of 4 stars). 8 submissions from 8 submitters: Likely pathogenic (1); Uncertain significance (6). 1 of the submissions does not count toward it. Last evaluated 2026-02-19.

Conditions:
Charcot-Marie-Tooth disease axonal type 2N (CMT2N). Also called: CHARCOT-MARIE-TOOTH DISEASE, AXONAL, AUTOSOMAL DOMINANT, TYPE 2N; CHARCOT-MARIE-TOOTH NEUROPATHY, AXONAL, TYPE 2N; Charcot-Marie-Tooth Neuropathy Type 2N. Identifiers: Orphanet 228174, MedGen C2750090, MONDO:0013212, OMIM 613287.
Charcot-Marie-Tooth disease. Also called: Charcot-Marie-Tooth Hereditary Neuropathy; Charcot-Marie-Tooth Neuropathy. Identifiers: Orphanet 166, MedGen C0007959, MONDO:0015626.
Charcot-Marie-Tooth disease type 2. Also called: Charcot-Marie-Tooth type 2. Identifiers: Orphanet 64746, MedGen C0270914, MONDO:0018993.

Allele frequency attached by ClinVar (database versions not stated): gnomAD 0.00001.
gnomAD v4.1: 12 of 1,614,062 alleles (0.00074%); highest among the groups gnomAD compares: East Asian, 0.0022%; no homozygotes.

Submissions (8):

Women's Health and Genetics/Laboratory Corporation of America, LabCorp
Classification: Uncertain significance. Last evaluated: 2026-02-19. Review status: criteria provided, single submitter. Criteria: LabCorp Variant Classification Summary - May 2015. Collection method: clinical testing. Allele origin: germline.
Comment: Variant summary: AARS1 c.1823C>T (p.Thr608Met) results in a non-conservative amino acid change located in the Alanyl-tRNA synthetase, class IIc, core domain (IPR018165) of the encoded protein sequence. Algorithms developed to predict the effect of missense changes on protein structure and function all suggest that this variant is likely to be disruptive. he variant allele was found at a frequency of 7.5e-06 in 1607068 control chromosomes in the gnomAD database (v4.1 dataset). c.1823C>T has been observed in individuals affected with clinical features of AARS1 related conditions (Schabhuttl_2014, Volodarsky_2021, internal data). These data indicate that the variant may be associated with disease. To our knowledge, no experimental evidence demonstrating an impact on protein function has been reported. The following publications have been ascertained in the context of this evaluation (PMID: 24627108, 32376792, 31775912). ClinVar contains an entry for this variant (Variation ID: 637511). Based on the evidence outlined above, the variant was classified as VUS-possibly pathogenic.

Labcorp Genetics (formerly Invitae), Labcorp
Classification: Likely pathogenic for Charcot-Marie-Tooth disease type 2. Last evaluated: 2025-08-06. Review status: criteria provided, single submitter. Criteria: Invitae Variant Classification Sherloc (09022015). Collection method: clinical testing. Allele origin: germline.
Comment: This sequence change replaces threonine, which is neutral and polar, with methionine, which is neutral and non-polar, at codon 608 of the AARS protein (p.Thr608Met). This variant is not present in population databases (gnomAD no frequency). This missense change has been observed in individuals with clinical features of autosomal dominant AARS-related conditions (PMID: 24627108, 32376792; internal data). ClinVar contains an entry for this variant (Variation ID: 637511). Invitae Evidence Modeling of protein sequence and biophysical properties (such as structural, functional, and spatial information, amino acid conservation, physicochemical variation, residue mobility, and thermodynamic stability) indicates that this missense variant is expected to disrupt AARS protein function with a positive predictive value of 95%. In summary, the currently available evidence indicates that the variant is pathogenic, but additional data are needed to prove that conclusively. Therefore, this variant has been classified as Likely Pathogenic.

Blueprint Genetics
Classification: Uncertain significance. Last evaluated: 2024-07-08. Review status: criteria provided, single submitter. Criteria: ACMG Guidelines, 2015. Collection method: clinical testing. Allele origin: germline.

Victorian Clinical Genetics Services, Murdoch Childrens Research Institute
Classification: Uncertain significance for Charcot-Marie-Tooth disease axonal type 2N. Last evaluated: 2023-07-17. Review status: criteria provided, single submitter. Criteria: ACMG Guidelines, 2015. Collection method: clinical testing. Allele origin: germline. Inheritance: Autosomal dominant inheritance. Affected: yes.
Comment: Based on the classification scheme VCGS_Germline_v1.3.3, this variant is classified as 3B-VUS. Following criteria are met: 0102 - Loss of function is a known mechanism of disease in this gene and is associated with Charcot-Marie-Tooth disease (MIM#613287). Additionally, some hypermorphic variants have been observed for the same phenotype, and a dominant-negative mechanism has also been suggested (OMIM, PMID: 30124830). (I) 0108 - This gene is associated with both recessive and dominant disease. Variants in this gene have been associated with autosomal dominant Charcot-Marie-Tooth disease (MIM#613287), and autosomal recessive early infantile epileptic encephalopathy (MIM#616339). (I) 0200 - Variant is predicted to result in a missense amino acid change from threonine to methionine. (I) 0251 - This variant is heterozygous. (I) 0302 - Variant is present in gnomAD (v3) <0.001 for a dominant condition (1 heterozygote, 0 homozygotes). (SP) 0502 - Missense variant with conflicting in silico predictions, but very high conservation. (I) 0604 - Variant is not located in an established domain, motif, hotspot or informative constraint region. (I) 0705 - No comparable missense variants have previous evidence for pathogenicity. (I) 0809 - Previous evidence of pathogenicity for this variant is inconclusive. The variant has previously been reported as a VUS in at least two heterozygous individuals, one with Charcot-Marie-Tooth disease and the other with distal hereditary motor neuropathy (ClinVar, PMID: 24627108). (I) 0905 - No published segregation evidence has been identified for this variant. (I) 1007 - No published functional evidence has been identified for this variant. (I) Legend: (SP) - Supporting pathogenic, (I) - Information, (SB) - Supporting benign

Revvity Omics, Revvity
Classification: Uncertain significance. Last evaluated: 2020-12-23. Review status: criteria provided, single submitter. Criteria: ACMG Guidelines, 2015. Collection method: clinical testing. Allele origin: germline.

GeneDx
Classification: Uncertain significance. Last evaluated: 2019-12-24. Review status: criteria provided, single submitter. Criteria: GeneDx Variant Classification Process June 2021. Collection method: clinical testing. Allele origin: germline. Affected: yes.
Comment: Not observed in large population cohorts (Lek et al., 2016); In silico analysis, which includes protein predictors and evolutionary conservation, supports a deleterious effect; Identified in an individual with distal hereditary motor neuropathy in published literature (Schabhuttl et al., 2014); This variant is associated with the following publications: (PMID: 24627108, 32376792)

Molecular Genetics Laboratory, London Health Sciences Centre
Classification: Uncertain significance for Charcot-Marie-Tooth disease. Review status: criteria provided, single submitter. Criteria: ACMG Guidelines, 2015. Collection method: clinical testing. Allele origin: germline. Affected: yes.

Inherited Neuropathy Consortium
Classification: Uncertain significance for Charcot-Marie-Tooth disease. Review status: no assertion criteria provided. Collection method: literature only. Allele origin: germline. Affected: yes. Not counted in ClinVar's aggregate classification.

Literature cited by the submitters: PubMed 24627108 (cited by 4 submitters); PubMed 32376792 (cited by Women's Health and Genetics/Laboratory Corporation of America, LabCorp and Labcorp Genetics (formerly Invitae), Labcorp); PubMed 31775912 (cited by Women's Health and Genetics/Laboratory Corporation of America, LabCorp); PubMed 30124830 (cited by Victorian Clinical Genetics Services, Murdoch Childrens Research Institute).